The following is an entry in ClinVar:

NM_003070.5(SMARCA2):c.3479C>G (p.Ala1160Gly)

Gene: SMARCA2 (SWI/SNF related BAF chromatin remodeling complex subunit ATPase 2; plus strand). Cytogenetic location: 9p24.3.
Variant type: single nucleotide variant.
Coding change: c.3479C>G on transcript NM_003070.5 (MANE Select); coding-DNA position 3479, C replaced by G.
Protein change: p.Ala1160Gly; replaces alanine 1160 with glycine.
Molecular consequence: missense variant.
Genome position (GRCh38, 1-based): chr9:2,115,844, C>G. VCF-style: chr9-2115844-C-G. GRCh37 (hg19) VCF-style: chr9-2115844-C-G.
Other names: c.3479C>G, p.Ala1160Gly (NM_001289396.2, NM_139045.4); c.3305C>G, p.Ala1102Gly (NM_001289397.2); short protein forms A1102G, A1160G.
Identifiers: ClinVar variation 1320261 (VCV001320261.3), dbSNP rs2130599529, ClinGen allele CA372788650.
Genomic context (GRCh38, chr9:2,115,844, plus strand): 5'-GCATCTCAGTCCTCATAGCATATTGACCCCCCAAACAGGATCTGCAGGCCCAAGACCGAG[C>G]TCACCGCATCGGGCAGCAGAACGAGGTCCGGGTACTGAGGCTCTGTACCGTGAACAGCGT-3'
Protein context (NP_003061.3, residues 1150-1170): PHQDLQAQDR[Ala1160Gly]HRIGQQNEVR

ClinVar aggregate classification (germline): Pathogenic. Review status: criteria provided, multiple submitters, no conflicts (2 of 4 stars). 2 submissions from 2 submitters: Pathogenic (2). Last evaluated 2022-01-30.

Conditions:
Nicolaides-Baraitser syndrome (NCBRS). Also called: SMARCA2-Related Nicolaides-Baraitser Syndrome; Intellectual disability-sparse hair-brachydactyly syndrome. Identifiers: Orphanet 3051, MedGen C1303073, MONDO:0011053, OMIM 601358.

Submissions (2):

Laboratory of Medical Genetics, National & Kapodistrian University of Athens
Classification: Pathogenic for Nicolaides-Baraitser syndrome. Last evaluated: 2022-01-30. Review status: criteria provided, single submitter. Criteria: ACMG Guidelines, 2015. Collection method: clinical testing. Allele origin: de novo. Inheritance: Autosomal dominant inheritance. Affected: yes. Observed: 1 heterozygote.

3billion
Classification: Pathogenic for Nicolaides-Baraitser syndrome. Last evaluated: 2021-10-02. Review status: criteria provided, single submitter. Criteria: ACMG Guidelines, 2015. Collection method: clinical testing. Allele origin: germline. Affected: yes. Observed: 1 heterozygote.
Comment: The missense variant is located in a mutational hot spot and/or well-established functional domain in which established pathogenic variants have been reported (PM1). It is not observed in the gnomAD v2.1.1 dataset (PM2). The variant was observed as assumed (i.e. paternity and maternity not confirmed) de novoo (3billion dataset, PM6). In silico tool predictions suggest damaging effect of the variant on gene or gene product (REVEL: 0.909, 3Cnet: 0.994, PP3). Patient's phenotype is considered compatible with Nicolaides-Baraitser syndrome (3billion dataset, PP4).Therefore, this variant is classified as pathogenic according to the recommendation of ACMG/AMP guideline.